The following is an entry in ClinVar:

ClinVar aggregate classification (germline): Pathogenic (1 of 4 stars; one submission).

Submission:

GeneDx
Classification: Pathogenic. Last evaluated: 2023-09-10. Review status: criteria provided, single submitter. Criteria: GeneDx Variant Classification Process June 2021. Collection method: clinical testing. Allele origin: germline. Affected: yes.
Comment: Not observed at significant frequency in large population cohorts (gnomAD); In silico analysis supports that this missense variant has a deleterious effect on protein structure/function; This variant is associated with the following publications: (PMID: 34197453)

NM_004958.4(MTOR):c.4184A>G (p.Lys1395Arg)

Gene: MTOR (mechanistic target of rapamycin kinase; minus strand). Cytogenetic location: 1p36.22.
Variant type: single nucleotide variant.
Coding change: c.4184A>G on transcript NM_004958.4 (MANE Select); coding-DNA position 4184, A replaced by G.
Protein change: p.Lys1395Arg; replaces lysine 1395 with arginine.
Molecular consequence: missense variant.
Genome position (GRCh38, 1-based): chr1:11,199,327, T>C on the plus strand (A>G on the coding strand, the complement: MTOR is on the minus strand). VCF-style: chr1-11199327-T-C. GRCh37 (hg19) VCF-style: chr1-11259384-T-C.
Other names: c.4184A>G, p.Lys1395Arg (NM_001386500.1); c.2936A>G, p.Lys979Arg (NM_001386501.1); short protein forms K1395R, K979R.
Identifiers: ClinVar variation 2579952 (VCV002579952.1), dbSNP rs2522990355, ClinGen allele CA338388807.
Genomic context (GRCh38, chr1:11,199,327, plus strand): 5'-GATTCTAGAATGGCAGGGGTGGGGCCTTTCTGGAACTCCAGTTCTTTGTAGTGTAGTGCT[T>C]TGGCATATGCTCGGCACTTGGCAGCTCTCTCACCCAGCAGAACAATGCCATTGTCATCTC-3'
Protein context (NP_004949.1, residues 1385-1405): ERAAKCRAYA[Lys1395Arg]ALHYKELEFQ